The following is an entry in ClinVar:

ClinVar aggregate classification (germline): Uncertain significance (1 of 4 stars; one submission).

Allele frequency attached by ClinVar (database versions not stated): gnomAD exomes 0.00001; ExAC 0.00002; TOPMed 0.00002; gnomAD 0.00003.
gnomAD v4.1: 8 of 1,613,914 alleles (0.0005%); highest among the groups gnomAD compares: African/African-American, 0.0093%; no homozygotes.

Submission:

Labcorp Genetics (formerly Invitae), Labcorp
Classification: Uncertain significance. Last evaluated: 2022-08-09. Review status: criteria provided, single submitter. Criteria: Invitae Variant Classification Sherloc (09022015). Collection method: clinical testing. Allele origin: germline.
Comment: Advanced modeling of protein sequence and biophysical properties (such as structural, functional, and spatial information, amino acid conservation, physicochemical variation, residue mobility, and thermodynamic stability) performed at Invitae indicates that this missense variant is not expected to disrupt ABCC6 protein function. In summary, the available evidence is currently insufficient to determine the role of this variant in disease. Therefore, it has been classified as a Variant of Uncertain Significance. Algorithms developed to predict the effect of sequence changes on RNA splicing suggest that this variant may create or strengthen a splice site. ClinVar contains an entry for this variant (Variation ID: 1435653). This variant has not been reported in the literature in individuals affected with ABCC6-related conditions. This variant is present in population databases (rs780432555, gnomAD 0.01%). This sequence change replaces lysine, which is basic and polar, with arginine, which is basic and polar, at codon 471 of the ABCC6 protein (p.Lys471Arg).

NM_001171.6(ABCC6):c.1412A>G (p.Lys471Arg)

Gene: ABCC6 (ATP binding cassette subfamily C member 6; minus strand). Cytogenetic location: 16p13.11.
Variant type: single nucleotide variant.
Coding change: c.1412A>G on transcript NM_001171.6 (MANE Select); coding-DNA position 1412, A replaced by G.
Protein change: p.Lys471Arg; replaces lysine 471 with arginine.
Molecular consequence: missense variant. On other transcripts: non-coding transcript variant (1).
Genome position (GRCh38, 1-based): chr16:16,192,849, T>C on the plus strand (A>G on the coding strand, the complement: ABCC6 is on the minus strand). VCF-style: chr16-16192849-T-C. GRCh37 (hg19) VCF-style: chr16-16286706-T-C.
Other names: c.1070A>G, p.Lys357Arg (NM_001351800.1); short protein forms K357R, K471R.
Identifiers: ClinVar variation 1435653 (VCV001435653.6), dbSNP rs780432555, ClinGen allele CA7926316.
Genomic context (GRCh38, chr16:16,192,849, plus strand): 5'-CCTACTTCCTGCCTGGTCCGTCCCTTTCCCAAAAGCCAAACCTGATGGTGGTTCCTTTTC[T>C]TGGAGATGAAGAAATTCAGAGGGAGGAGGCTCAGGAAGACAGCGATGGCAGTGAGGGCGG-3'
Protein context (NP_001162.5, residues 461-481): SLLPLNFFIS[Lys471Arg]KRNHHQEEQM